The following is an entry in ClinVar:

ClinVar aggregate classification (germline): other (0 of 4 stars; one submission).

Conditions:
Familial colorectal cancer. Identifiers: MedGen CN280943, MONDO:0023113. Disease mechanism: loss of function.

Submission:

Systems Biology Platform Zhejiang California International NanoSystems Institute
Classification: other for Familial colorectal cancer. Review status: no assertion criteria provided. Collection method: not provided. Allele origin: unknown.
ClinVar note: Converted during submission from cancer to other.

NM_000038.6(APC):c.729+1832T>G

Gene: APC (APC regulator of WNT signaling pathway; plus strand). Cytogenetic location: 5q22.2.
Variant type: single nucleotide variant.
Coding change: c.729+1832T>G on transcript NM_000038.6 (MANE Select); 1832 bases into the intron after coding-DNA position 729, T replaced by G.
Molecular consequence: intron variant.
Genome position (GRCh38, 1-based): chr5:112,794,361, T>G. VCF-style: chr5-112794361-T-G. GRCh37 (hg19) VCF-style: chr5-112130058-T-G.
Other names: c.729+1832T>G (NM_001354895.2, NM_001127510.3, NM_001354896.2 and 1 more transcripts); c.759+1832T>G (NM_001354897.2, NM_001354902.2); c.676-6918T>G (NM_001127511.3); c.654+1832T>G (NM_001354898.2, NM_001354904.2); c.-307+1832T>G (NM_001354906.2); c.646-6918T>G (NM_001354899.2); c.552+1832T>G (NM_001354900.2, NM_001354901.2, NM_001354905.2).
Identifiers: ClinVar variation 83011 (VCV000083011.2), dbSNP rs75463737, ClinGen allele CA013066.
Genomic context (GRCh38, chr5:112,794,361, plus strand): 5'-GAACTCCTGAGCTCAAGCAATCTGCCTGTCTTGGCCTTCCAAAGTGTGGGATTACAGGCG[T>G]GAGCCACTGCGCCTGACCCCTGTTAAACCTTTTAAAAGAAAATATGTGCAGCTATGTTTT-3'